The following is an entry in ClinVar:

NM_033056.4(PCDH15):c.4489_4508dup (p.Lys1503delinsAsnMetTer)

Gene: PCDH15 (protocadherin related 15; minus strand). Cytogenetic location: 10q21.1.
Variant type: Duplication.
Coding change: c.4489_4508dup on transcript NM_033056.4 (MANE Plus Clinical); coding-DNA positions 4489 to 4508, 20 bases duplicated (CATGTAGACGGATCACTTAA).
Protein change: p.Lys1503delinsAsnMetTer.
Molecular consequence: nonsense. On other transcripts: intron variant (8).
Genome position (GRCh38, 1-based): chr10:53,823,218-53,823,237, TTAAGTGATCCGTCTACATG duplicated on the plus strand (CATGTAGACGGATCACTTAA on the coding strand, the reverse complement: PCDH15 is on the minus strand). VCF-style (leftmost placement, unchanged base first): chr10-53823217-C-CTTAAGTGATCCGTCTACATG. GRCh37 (hg19) VCF-style: chr10-55582977-C-CTTAAGTGATCCGTCTACATG.
Other names: c.4510_4529dup, p.Lys1510delinsAsnMetTer (NM_001142763.2); c.4495_4514dup, p.Lys1505delinsAsnMetTer (NM_001142764.2); c.4282_4301dup, p.Lys1434delinsAsnMetTer (NM_001142765.2); c.4480_4499dup, p.Lys1500delinsAsnMetTer (NM_001142766.2); c.4369_4388dup, p.Lys1463delinsAsnMetTer (NM_001142767.2); c.4429_4448dup, p.Lys1483delinsAsnMetTer (NM_001142768.2); c.4420_4439dup, p.Lys1480delinsAsnMetTer (NM_001142773.2); c.4423_4442dup, p.Lys1481delinsAsnMetTer (NM_001354404.2); and 6 more.
Identifiers: ClinVar variation 1995001 (VCV001995001.4), dbSNP rs2492412300, ClinGen allele CA2580081673.

ClinVar aggregate classification (germline): Pathogenic (1 of 4 stars; one submission).

Submission:

Labcorp Genetics (formerly Invitae), Labcorp
Classification: Pathogenic. Last evaluated: 2022-05-15. Review status: criteria provided, single submitter. Criteria: Invitae Variant Classification Sherloc (09022015). Collection method: clinical testing. Allele origin: germline.
Comment: For these reasons, this variant has been classified as Pathogenic. This variant disrupts a region of the PCDH15 protein in which other variant(s) (p.Q1576*) have been determined to be pathogenic (PMID: 28281779). This suggests that this is a clinically significant region of the protein, and that variants that disrupt it are likely to be disease-causing. This variant has not been reported in the literature in individuals affected with PCDH15-related conditions. This variant is not present in population databases (gnomAD no frequency). This sequence change creates a premature translational stop signal (p.Lys1503Asnfs*3) in the PCDH15 gene. While this is not anticipated to result in nonsense mediated decay, it is expected to disrupt the last 453 amino acid(s) of the PCDH15 protein.

Literature cited by the submitters: PubMed 28281779.